The following is an entry in ClinVar:

ClinVar aggregate classification (germline): Uncertain significance (1 of 4 stars; one submission).

gnomAD v4.1: 1 of 1,614,046 alleles (0.000062%); highest among the groups gnomAD compares: Non-Finnish European, 0.000085%; no homozygotes.

Submission:

Labcorp Genetics (formerly Invitae), Labcorp
Classification: Uncertain significance. Last evaluated: 2025-08-07. Review status: criteria provided, single submitter. Criteria: Invitae Variant Classification Sherloc (09022015). Collection method: clinical testing. Allele origin: germline.
Comment: This sequence change replaces alanine, which is neutral and non-polar, with valine, which is neutral and non-polar, at codon 778 of the CDK5RAP2 protein (p.Ala778Val). This variant is not present in population databases (gnomAD no frequency). This variant has not been reported in the literature in individuals affected with CDK5RAP2-related conditions. An algorithm developed to predict the effect of missense changes on protein structure and function (PolyPhen-2) suggests that this variant is likely to be disruptive. In summary, the available evidence is currently insufficient to determine the role of this variant in disease. Therefore, it has been classified as a Variant of Uncertain Significance.

NM_018249.6(CDK5RAP2):c.2333C>T (p.Ala778Val)

Gene: CDK5RAP2 (CDK5 regulatory subunit associated protein 2; minus strand). Cytogenetic location: 9q33.2.
Variant type: single nucleotide variant.
Coding change: c.2333C>T on transcript NM_018249.6 (MANE Select); coding-DNA position 2333, C replaced by T.
Protein change: p.Ala778Val; replaces alanine 778 with valine.
Molecular consequence: missense variant. On other transcripts: non-coding transcript variant (5), intron variant (1).
Genome position (GRCh38, 1-based): chr9:120,458,492, G>A on the plus strand (C>T on the coding strand, the complement: CDK5RAP2 is on the minus strand). VCF-style: chr9-120458492-G-A. GRCh37 (hg19) VCF-style: chr9-123220770-G-A.
Other names: c.2333C>T, p.Ala778Val (NM_001011649.3); c.2234C>T, p.Ala745Val (NM_001410992.1); c.2237C>T, p.Ala746Val (NM_001410993.1); c.2330C>T, p.Ala777Val (NM_001410994.1); c.2103+9368C>T (NM_001272039.2); short protein forms A777V, A746V, A778V, A745V.
Identifiers: ClinVar variation 4718522 (VCV004718522.1).
Genomic context (GRCh38, chr9:120,458,492, plus strand): 5'-CCTGGGCCCCATGTATACCTGGATTCCAGTAATAATGTGGCCTTCTCATTGAACAAAGGG[G>A]CAAGCAGGTTTATGAATGCACCTTCTTCTAGGCAGCCAGGTGCGTGGGCCCCATCACAAT-3'
Protein context (NP_060719.4, residues 768-788): LEEGAFINLL[Ala778Val]PLFNEKATLL